The following is an entry in ClinVar:

ClinVar aggregate classification (germline): Uncertain significance (1 of 4 stars; one submission).

Submission:

Ambry Genetics
Classification: Uncertain significance. Last evaluated: 2024-07-07. Review status: criteria provided, single submitter. Criteria: Ambry Variant Classification Scheme 2023. Collection method: clinical testing. Allele origin: germline.
Comment: The p.C1550W variant (also known as c.4650T>G), located in coding exon 16 of the POLQ gene, results from a T to G substitution at nucleotide position 4650. The cysteine at codon 1550 is replaced by tryptophan, an amino acid with highly dissimilar properties. This amino acid position is conserved. In addition, this alteration is predicted to be tolerated by in silico analysis. Based on the available evidence, the clinical significance of this variant remains unclear.

NM_199420.4(POLQ):c.4650T>G (p.Cys1550Trp)

Gene: POLQ (DNA polymerase theta; minus strand). Cytogenetic location: 3q13.33.
Variant type: single nucleotide variant.
Coding change: c.4650T>G on transcript NM_199420.4 (MANE Select); coding-DNA position 4650, T replaced by G.
Protein change: p.Cys1550Trp; replaces cysteine 1550 with tryptophan.
Molecular consequence: missense variant.
Genome position (GRCh38, 1-based): chr3:121,488,281, A>C on the plus strand (T>G on the coding strand, the complement: POLQ is on the minus strand). VCF-style: chr3-121488281-A-C. GRCh37 (hg19) VCF-style: chr3-121207128-A-C.
Other names: short protein forms C1550W.
Identifiers: ClinVar variation 2521561 (VCV002521561.3), dbSNP rs2546785705, ClinGen allele CA354094322.